The following is an entry in ClinVar:

ClinVar aggregate classification (germline): Uncertain significance (1 of 4 stars; one submission).

Conditions:
Autosomal dominant childhood-onset proximal spinal muscular atrophy with contractures (SMALED2A). Also called: Spinal muscular atrophy, lower extremity-predominant, 2A, autosomal dominant; SPINAL MUSCULAR ATROPHY, LOWER EXTREMITY-PREDOMINANT, 2A, CHILDHOOD ONSET, AUTOSOMAL DOMINANT. Identifiers: Orphanet 363447, Orphanet 363454, MedGen C4747715, MONDO:0014121, OMIM 615290.

Allele frequency attached by ClinVar (database versions not stated): TOPMed below 0.00001; gnomAD 0.00001; ESP Exome Variant Server 0.00008.
gnomAD v4.1: 1 of 1,614,102 alleles (0.000062%); highest among the groups gnomAD compares: African/African-American, 0.0013%; no homozygotes.

Submission:

Labcorp Genetics (formerly Invitae), Labcorp
Classification: Uncertain significance for Autosomal dominant childhood-onset proximal spinal muscular atrophy with contractures. Last evaluated: 2024-08-06. Review status: criteria provided, single submitter. Criteria: Invitae Variant Classification Sherloc (09022015). Collection method: clinical testing. Allele origin: germline.
Comment: This sequence change replaces alanine, which is neutral and non-polar, with threonine, which is neutral and polar, at codon 290 of the BICD2 protein (p.Ala290Thr). This variant is not present in population databases (gnomAD no frequency). This variant has not been reported in the literature in individuals affected with BICD2-related conditions. Advanced modeling of protein sequence and biophysical properties (such as structural, functional, and spatial information, amino acid conservation, physicochemical variation, residue mobility, and thermodynamic stability) performed at Invitae indicates that this missense variant is not expected to disrupt BICD2 protein function with a negative predictive value of 80%. In summary, the available evidence is currently insufficient to determine the role of this variant in disease. Therefore, it has been classified as a Variant of Uncertain Significance.

NM_001003800.2(BICD2):c.868G>A (p.Ala290Thr)

Gene: BICD2 (BICD cargo adaptor 2; minus strand). Cytogenetic location: 9q22.31.
Variant type: single nucleotide variant.
Coding change: c.868G>A on transcript NM_001003800.2 (MANE Select); coding-DNA position 868, G replaced by A.
Protein change: p.Ala290Thr; replaces alanine 290 with threonine.
Molecular consequence: missense variant.
Genome position (GRCh38, 1-based): chr9:92,720,494, C>T on the plus strand (G>A on the coding strand, the complement: BICD2 is on the minus strand). VCF-style: chr9-92720494-C-T. GRCh37 (hg19) VCF-style: chr9-95482776-C-T.
Other names: c.868G>A, p.Ala290Thr (NM_015250.4); short protein forms A290T.
Identifiers: ClinVar variation 2739067 (VCV002739067.3), dbSNP rs372821254, ClinGen allele CA196341844.
Genomic context (GRCh38, chr9:92,720,494, plus strand): 5'-TGGCCAGGCCGCCGTGCTCAAAGCCATTGACCAGGGCCTCGGCATCGTTGTTGGGCTCGG[C>T]AGCATCGTCACTGAACTTGAGGCCATCCAGCGAGACATGCAGGTGGCTGGTGTAGAAGGA-3'
Protein context (NP_001003800.1, residues 280-300): LDGLKFSDDA[Ala290Thr]EPNNDAEALV